The following is an entry in ClinVar:

NM_001205293.3(CACNA1E):c.3015C>G (p.Pro1005=)

Gene: CACNA1E (calcium voltage-gated channel subunit alpha1 E; plus strand). Cytogenetic location: 1q25.3.
Variant type: single nucleotide variant.
Coding change: c.3015C>G on transcript NM_001205293.3 (MANE Select); coding-DNA position 3015, C replaced by G.
Protein change: p.Pro1005=; no amino-acid change (proline 1005 retained).
Molecular consequence: synonymous variant.
Genome position (GRCh38, 1-based): chr1:181,733,503, C>G. VCF-style: chr1-181733503-C-G. GRCh37 (hg19) VCF-style: chr1-181702639-C-G.
Other names: c.3015C>G, p.Pro1005= (NM_000721.4); c.2958C>G, p.Pro986= (NM_001205294.2).
Identifiers: ClinVar variation 1630617 (VCV001630617.32), dbSNP rs373175706, ClinGen allele CA1275459.

ClinVar aggregate classification (germline): Likely benign. Review status: criteria provided, multiple submitters, no conflicts (2 of 4 stars). 3 submissions from 3 submitters: Likely benign (3). Last evaluated 2025-11-17.

Conditions:
Developmental and epileptic encephalopathy, 69. Also called: EPILEPTIC ENCEPHALOPATHY, EARLY INFANTILE, 69. Identifiers: MedGen C4748988, MONDO:0032657, OMIM 618285.

Allele frequency attached by ClinVar (database versions not stated): ESP Exome Variant Server 0.00016.
gnomAD v4.1: 211 of 1,601,306 alleles (0.013%); highest among the groups gnomAD compares: Non-Finnish European, 0.017%; no homozygotes.

Submissions (3):

Labcorp Genetics (formerly Invitae), Labcorp
Classification: Likely benign. Last evaluated: 2025-11-17. Review status: criteria provided, single submitter. Criteria: Invitae Variant Classification Sherloc (09022015). Collection method: clinical testing. Allele origin: germline.

Genome-Nilou Lab
Classification: Likely benign for Developmental and epileptic encephalopathy, 69. Last evaluated: 2023-04-11. Review status: criteria provided, single submitter. Criteria: ACMG Guidelines, 2015. Collection method: clinical testing. Allele origin: germline. Affected: no.

CeGaT Center for Human Genetics Tuebingen
Classification: Likely benign. Last evaluated: 2023-04-01. Review status: criteria provided, single submitter. Criteria: CeGaT Center For Human Genetics Tuebingen Variant Classification Criteria Version 2. Collection method: clinical testing. Allele origin: germline. Affected: yes. Observed: 1 variant allele.
Comment: CACNA1E: BP4, BP7